The following is an entry in ClinVar:

NM_014629.4(ARHGEF10):c.3917C>T (p.Ala1306Val)

Gene: ARHGEF10 (Rho guanine nucleotide exchange factor 10; plus strand). Cytogenetic location: 8p23.3.
Variant type: single nucleotide variant.
Coding change: c.3917C>T on transcript NM_014629.4 (MANE Select); coding-DNA position 3917, C replaced by T.
Protein change: p.Ala1306Val; replaces alanine 1306 with valine.
Molecular consequence: missense variant.
Genome position (GRCh38, 1-based): chr8:1,957,145, C>T. VCF-style: chr8-1957145-C-T. GRCh37 (hg19) VCF-style: chr8-1905311-C-T.
Other names: c.3803C>T, p.Ala1268Val (NM_001308152.2); c.3917C>T, p.Ala1306Val (NM_001308153.3); c.3917C>T (NM_014629.3); short protein forms A1306V, A1268V, A1330V.
Identifiers: ClinVar variation 1523672 (VCV001523672.10), dbSNP rs375455536, ClinGen allele CA4601531.
Genomic context (GRCh38, chr8:1,957,145, plus strand): 5'-AGGATCCTGTCTCGCTGAGAAGCAAAGCACGCCGGGCCAAGAAAGCCAAGGCCAGCTCGG[C>T]GCTGGTGGTCTGTGGAGGGCAGGGCCACCGCCGGGTGCACAGGAAGGCCCGGCAGCCCCA-3'
Protein context (NP_055444.2, residues 1296-1316): RRAKKAKASS[Ala1306Val]LVVCGGQGHR

ClinVar aggregate classification (germline): Conflicting classifications of pathogenicity. Review status: criteria provided, conflicting classifications (1 of 4 stars). 3 submissions from 3 submitters: Uncertain significance (2); Likely benign (1). Last evaluated 2026-05-02.

Conditions:
ARHGEF10-related disorder. Also called: ARHGEF10-related condition.

Allele frequency attached by ClinVar (database versions not stated): ExAC 0.00006; gnomAD 0.00006; gnomAD exomes 0.00006; TOPMed 0.00006; ESP Exome Variant Server 0.00015.
gnomAD v4.1: 98 of 1,612,642 alleles (0.0061%); highest among the groups gnomAD compares: African/African-American, 0.0093%; 1 homozygote.

Submissions (3):

PreventionGenetics, part of Exact Sciences
Classification: Uncertain significance for ARHGEF10-related condition. Last evaluated: 2026-05-02. Review status: criteria provided, single submitter. Criteria: ACMG Guidelines, 2015. Collection method: clinical testing. Allele origin: germline.
Comment: The ARHGEF10 c.3917C>T variant is predicted to result in the amino acid substitution p.Ala1306Val. To our knowledge, this variant has not been reported in the literature. This variant is reported in 0.017% of alleles in individuals of African descent in gnomAD. Although we suspect that this variant may be benign, at this time, the clinical significance of this variant is uncertain due to the absence of conclusive functional and genetic evidence.

Labcorp Genetics (formerly Invitae), Labcorp
Classification: Uncertain significance. Last evaluated: 2025-12-15. Review status: criteria provided, single submitter. Criteria: Invitae Variant Classification Sherloc (09022015). Collection method: clinical testing. Allele origin: germline.
Comment: This sequence change replaces alanine, which is neutral and non-polar, with valine, which is neutral and non-polar, at codon 1306 of the ARHGEF10 protein (p.Ala1306Val). This variant is present in population databases (rs375455536, gnomAD 0.02%). This variant has not been reported in the literature in individuals affected with ARHGEF10-related conditions. ClinVar contains an entry for this variant (Variation ID: 1523672). An algorithm developed to predict the effect of missense changes on protein structure and function outputs the following: PolyPhen-2: "Benign". The valine amino acid residue is found in multiple mammalian species, which suggests that this missense change does not adversely affect protein function. In summary, the available evidence is currently insufficient to determine the role of this variant in disease. Therefore, it has been classified as a Variant of Uncertain Significance.

Ambry Genetics
Classification: Likely benign. Last evaluated: 2025-12-08. Review status: criteria provided, single submitter. Criteria: Ambry Variant Classification Scheme 2023. Collection method: clinical testing. Allele origin: germline.